The following is an entry in ClinVar:

NM_024996.7(GFM1):c.185T>G (p.Leu62Ter)

Gene: GFM1 (G elongation factor mitochondrial 1; plus strand). Cytogenetic location: 3q25.32.
Variant type: single nucleotide variant.
Coding change: c.185T>G on transcript NM_024996.7 (MANE Select); coding-DNA position 185, T replaced by G.
Protein change: p.Leu62Ter; replaces leucine 62 with a stop codon.
Molecular consequence: nonsense. On other transcripts: 5 prime UTR variant (4), non-coding transcript variant (4).
Genome position (GRCh38, 1-based): chr3:158,645,732, T>G. VCF-style: chr3-158645732-T-G. GRCh37 (hg19) VCF-style: chr3-158363521-T-G.
Other names: c.185T>G, p.Leu62Ter (NM_001308164.2, NM_001308166.2, NM_001374355.1 and 2 more transcripts); c.-41T>G (NM_001374357.1); c.-45T>G (NM_001374359.1, NM_001374360.1, NM_001374361.1); short protein forms L62*.
Identifiers: ClinVar variation 2165935 (VCV002165935.4), dbSNP rs774252647, ClinGen allele CA355175299.

ClinVar aggregate classification (germline): Pathogenic (1 of 4 stars; one submission).

Allele frequency attached by ClinVar (database versions not stated): TOPMed below 0.00001; gnomAD 0.00001.
gnomAD v4.1: 1 of 1,612,566 alleles (0.000062%); highest among the groups gnomAD compares: Non-Finnish European, 0.000085%; no homozygotes.

Submission:

Labcorp Genetics (formerly Invitae), Labcorp
Classification: Pathogenic. Last evaluated: 2021-12-12. Review status: criteria provided, single submitter. Criteria: Invitae Variant Classification Sherloc (09022015). Collection method: clinical testing. Allele origin: germline.
Comment: This sequence change creates a premature translational stop signal (p.Leu62*) in the GFM1 gene. It is expected to result in an absent or disrupted protein product. Loss-of-function variants in GFM1 are known to be pathogenic (PMID: 16632485, 17160893). This variant is not present in population databases (gnomAD no frequency). This variant has not been reported in the literature in individuals affected with GFM1-related conditions. For these reasons, this variant has been classified as Pathogenic.

Literature cited by the submitters: PubMed 16632485; PubMed 17160893.